The following is an entry in ClinVar:

ClinVar aggregate classification (germline): Uncertain significance. Review status: criteria provided, multiple submitters, no conflicts (2 of 4 stars). 2 submissions from 2 submitters: Uncertain significance (2). Last evaluated 2026-01-22.

Conditions:
Inborn genetic diseases. Identifiers: MedGen C0950123, MeSH D030342.
Autoimmune lymphoproliferative syndrome, type III caused by mutation in PRKCD. Identifiers: Orphanet 3261, Orphanet 664711, MedGen C3809928, MONDO:8000024, OMIM 615559.

Allele frequency attached by ClinVar (database versions not stated): gnomAD 0.00001; gnomAD exomes 0.00001; TOPMed 0.00001; ExAC 0.00003.
gnomAD v4.1: 17 of 1,613,826 alleles (0.0011%); highest among the groups gnomAD compares: South Asian, 0.0033%; no homozygotes.

Submissions (2):

Labcorp Genetics (formerly Invitae), Labcorp
Classification: Uncertain significance for Autoimmune lymphoproliferative syndrome, type III caused by mutation in PRKCD. Last evaluated: 2026-01-22. Review status: criteria provided, single submitter. Criteria: Invitae Variant Classification Sherloc (09022015). Collection method: clinical testing. Allele origin: germline.
Comment: This sequence change replaces arginine, which is basic and polar, with tryptophan, which is neutral and slightly polar, at codon 273 of the PRKCD protein (p.Arg273Trp). This variant is present in population databases (rs781826732, gnomAD 0.01%). This variant has not been reported in the literature in individuals affected with PRKCD-related conditions. ClinVar contains an entry for this variant (Variation ID: 2218258). An algorithm developed to predict the effect of missense changes on protein structure and function (PolyPhen-2) suggests that this variant is likely to be disruptive. In summary, the available evidence is currently insufficient to determine the role of this variant in disease. Therefore, it has been classified as a Variant of Uncertain Significance.

Ambry Genetics
Classification: Uncertain significance for Inborn genetic diseases. Last evaluated: 2022-04-15. Review status: criteria provided, single submitter. Criteria: Ambry Variant Classification Scheme 2023. Collection method: clinical testing. Allele origin: germline.

NM_006254.4(PRKCD):c.817C>T (p.Arg273Trp)

Gene: PRKCD (protein kinase C delta; plus strand). Cytogenetic location: 3p21.1.
Variant type: single nucleotide variant.
Coding change: c.817C>T on transcript NM_006254.4 (MANE Select); coding-DNA position 817, C replaced by T.
Protein change: p.Arg273Trp; replaces arginine 273 with tryptophan.
Molecular consequence: missense variant.
Genome position (GRCh38, 1-based): chr3:53,184,903, C>T. VCF-style: chr3-53184903-C-T. GRCh37 (hg19) VCF-style: chr3-53218919-C-T.
Other names: c.817C>T, p.Arg273Trp (NM_212539.2, NM_001316327.2, NM_001354679.2 and 1 more transcripts); c.874C>T, p.Arg292Trp (NM_001354676.2); c.865C>T, p.Arg289Trp (NM_001354678.2); short protein forms R292W, R289W, R273W.
Identifiers: ClinVar variation 2218258 (VCV002218258.3), dbSNP rs781826732, ClinGen allele CA2451980.